The following is an entry in ClinVar:

NM_000038.6(APC):c.3638C>G (p.Ser1213Ter)

Gene: APC (APC regulator of Wnt signaling pathway; plus strand). Cytogenetic location: 5q22.2.
Variant type: single nucleotide variant.
Coding change: c.3638C>G on transcript NM_000038.6 (MANE Select); coding-DNA position 3638, C replaced by G.
Protein change: p.Ser1213Ter; replaces serine 1213 with a stop codon.
Molecular consequence: nonsense.
Genome position (GRCh38, 1-based): chr5:112,839,232, C>G. VCF-style: chr5-112839232-C-G. GRCh37 (hg19) VCF-style: chr5-112174929-C-G.
Other names: c.3638C>G, p.Ser1213Ter (NM_001127510.3, NM_001354895.2); c.3584C>G, p.Ser1195Ter (NM_001127511.3); c.3692C>G, p.Ser1231Ter (NM_001354896.2); c.3668C>G, p.Ser1223Ter (NM_001354897.2); c.3563C>G, p.Ser1188Ter (NM_001354898.2); c.3554C>G, p.Ser1185Ter (NM_001354899.2); c.3515C>G, p.Ser1172Ter (NM_001354900.2); c.3461C>G, p.Ser1154Ter (NM_001354901.2); and 5 more; short protein forms S1087*, S1154*, S1231*, S1053*, S1188*, S1195*, S1213*, S1223*.
Identifiers: ClinVar variation 852583 (VCV000852583.13), dbSNP rs1554085199, ClinGen allele CA16029322.

ClinVar aggregate classification (germline): Pathogenic/Likely pathogenic. Review status: criteria provided, multiple submitters, no conflicts (2 of 4 stars). 3 submissions from 3 submitters: Pathogenic (2); Likely pathogenic (1). Last evaluated 2026-02-19.

Conditions:
Hereditary cancer-predisposing syndrome. Also called: Hereditary Cancer Syndrome; Tumor predisposition; Neoplastic Syndromes, Hereditary; Hereditary neoplastic syndrome. Identifiers: Orphanet 140162, MedGen C0027672, MeSH D009386, MONDO:0015356.
Familial adenomatous polyposis 1 (FAP1). Also called: FAMILIAL ADENOMATOUS POLYPOSIS 1, ATTENUATED; POLYPOSIS, ADENOMATOUS INTESTINAL. Identifiers: MedGen C2713442, MONDO:0021056, OMIM 175100. Disease mechanism: loss of function.

Submissions (3):

Ambry Genetics
Classification: Likely pathogenic for Hereditary cancer-predisposing syndrome. Last evaluated: 2026-02-19. Review status: criteria provided, single submitter. Criteria: Ambry Variant Classification Scheme 2023. Collection method: clinical testing. Allele origin: germline.
Comment: The p.S1213* variant (also known as c.3638C>G), located in coding exon 15 of the APC gene, results from a C to G substitution at nucleotide position 3638. This changes the amino acid from a serine to a stop codon within coding exon 15. This variant occurs at the 3' terminus of the gene, is not expected to trigger nonsense-mediated mRNA decay and impacts the last 57% of the protein. However, premature stop codons are typically deleterious in nature, and a significant portion of the protein is affected (Ambry internal data). This variant is considered to be rare based on population cohorts in the Genome Aggregation Database (gnomAD). Based on the majority of available evidence to date, this variant is likely to be pathogenic.

Myriad Genetics, Inc.
Classification: Pathogenic for Familial adenomatous polyposis 1. Last evaluated: 2023-05-09. Review status: criteria provided, single submitter. Criteria: Myriad Autosomal Dominant, Autosomal Recessive and X-Linked Classification Criteria (2023). Collection method: clinical testing. Allele origin: unknown.
Comment: This variant is considered pathogenic. This variant creates a termination codon and is predicted to result in premature protein truncation.

Labcorp Genetics (formerly Invitae), Labcorp
Classification: Pathogenic for Familial adenomatous polyposis 1. Last evaluated: 2019-12-07. Review status: criteria provided, single submitter. Criteria: Invitae Variant Classification Sherloc (09022015). Collection method: clinical testing. Allele origin: germline.
Comment: A different truncation (p.Tyr2645Lysfs*14) that lies downstream of this variant has been determined to be pathogenic (PMID: 9824584, 1316610, 27081525, 8381579, 22135120, Invitae). This suggests that deletion of this region of the APC protein is causative of disease. For these reasons, this variant has been classified as Pathogenic. This variant is expected to disrupt the EB1 and HDLG binding sites, which mediate interactions with the cytoskeleton (PMID: 15311282, 17293347). While functional studies have not been performed to directly test the effect on APC protein function, this suggests that disruption of the C-terminal portion of the protein is functionally important. This variant has not been reported in the literature in individuals with APC-related conditions. This variant is not present in population databases (ExAC no frequency). This sequence change results in a premature translational stop signal in the APC gene (p.Ser1213*). While this is not anticipated to result in nonsense mediated decay, it is expected to disrupt the last 1,631 amino acids of the APC protein.

Literature cited by the submitters: PubMed 9824584 (cited by Labcorp Genetics (formerly Invitae), Labcorp); PubMed 1316610 (cited by Labcorp Genetics (formerly Invitae), Labcorp); PubMed 27081525 (cited by Labcorp Genetics (formerly Invitae), Labcorp); PubMed 8381579 (cited by Labcorp Genetics (formerly Invitae), Labcorp); PubMed 22135120 (cited by Labcorp Genetics (formerly Invitae), Labcorp); PubMed 15311282 (cited by Labcorp Genetics (formerly Invitae), Labcorp); PubMed 17293347 (cited by Labcorp Genetics (formerly Invitae), Labcorp).